The following is an entry in ClinVar:

ClinVar aggregate classification (germline): Uncertain significance (1 of 4 stars; one submission).

Conditions:
Cognitive impairment - coarse facies - heart defects - obesity - pulmonary involvement - short stature - skeletal dysplasia syndrome. Also called: Chops syndrome; AFF4-Related CHOPS Syndrome; COGNITIVE IMPAIRMENT, COARSE FACIES, HEART DEFECTS, OBESITY, PULMONARY INVOLVEMENT, SHORT STATURE, AND SKELETAL DYSPLASIA. Identifiers: Orphanet 444077, MedGen C4085597, MONDO:0014609, OMIM 616368.

Allele frequency attached by ClinVar (database versions not stated): gnomAD exomes below 0.00001 and 0.00001; ExAC 0.00002.

Submission:

Labcorp Genetics (formerly Invitae), Labcorp
Classification: Uncertain significance for Cognitive impairment - coarse facies - heart defects - obesity - pulmonary involvement - short stature - skeletal dysplasia syndrome. Last evaluated: 2025-04-11. Review status: criteria provided, single submitter. Criteria: Invitae Variant Classification Sherloc (09022015). Collection method: clinical testing. Allele origin: germline.
Comment: This sequence change replaces aspartic acid, which is acidic and polar, with asparagine, which is neutral and polar, at codon 152 of the AFF4 protein (p.Asp152Asn). This variant is present in population databases (rs760079635, gnomAD 0.003%). This variant has not been reported in the literature in individuals affected with AFF4-related conditions. ClinVar contains an entry for this variant (Variation ID: 1353899). An algorithm developed to predict the effect of missense changes on protein structure and function (PolyPhen-2) suggests that this variant is likely to be disruptive. In summary, the available evidence is currently insufficient to determine the role of this variant in disease. Therefore, it has been classified as a Variant of Uncertain Significance.

NM_014423.4(AFF4):c.454G>A (p.Asp152Asn)

Gene: AFF4 (ALF transcription elongation factor 4; minus strand). Cytogenetic location: 5q31.1.
Variant type: single nucleotide variant.
Coding change: c.454G>A on transcript NM_014423.4 (MANE Select); coding-DNA position 454, G replaced by A.
Protein change: p.Asp152Asn; replaces aspartic acid 152 with asparagine.
Molecular consequence: missense variant.
Genome position (GRCh38, 1-based): chr5:132,934,611, C>T on the plus strand (G>A on the coding strand, the complement: AFF4 is on the minus strand). VCF-style: chr5-132934611-C-T. GRCh37 (hg19) VCF-style: chr5-132270303-C-T.
Other names: short protein forms D152N.
Identifiers: ClinVar variation 1353899 (VCV001353899.6), dbSNP rs760079635, ClinGen allele CA3409432.